The following is an entry in ClinVar:

ClinVar aggregate classification (germline): Benign. Review status: criteria provided, multiple submitters, no conflicts (2 of 4 stars). 12 submissions from 12 submitters: Benign (9). 3 of the submissions do not count toward it. Last evaluated 2026-02-04.

Conditions:
Maple syrup urine disease (MSUD). Identifiers: Orphanet 511, MedGen C0024776, MeSH D008375, MONDO:0009563. Disease mechanism: loss of function.
Maple syrup urine disease type 1A (MSUD1A). Also called: MSUD type 1A. Identifiers: MedGen C1855369, MONDO:0023691, OMIM 248600.

Allele frequency attached by ClinVar (database versions not stated): gnomAD exomes 0.59120 and 0.60561; ExAC 0.59895; 1000 Genomes Project 0.61601; 1000 Genomes Project 30x 0.62055; TOPMed 0.65650; ESP Exome Variant Server 0.67610.
gnomAD v4.1: 984,230 of 1,611,524 alleles (61%); highest among the groups gnomAD compares: African/African-American, 83%; 304,273 homozygotes.

Submissions (12):

Labcorp Genetics (formerly Invitae), Labcorp
Classification: Benign for Maple syrup urine disease. Last evaluated: 2026-02-04. Review status: criteria provided, single submitter. Criteria: Invitae Variant Classification Sherloc (09022015). Collection method: clinical testing. Allele origin: germline.

Blueprint Genetics
Classification: Benign. Last evaluated: 2024-11-28. Review status: criteria provided, single submitter. Criteria: ACMG Guidelines, 2015. Collection method: clinical testing. Allele origin: germline.

Mayo Clinic Laboratories, Mayo Clinic
Classification: Benign. Last evaluated: 2021-10-03. Review status: criteria provided, single submitter. Criteria: ACMG Guidelines, 2015. Collection method: clinical testing. Allele origin: germline. Observed: 20 variant alleles.

Genome-Nilou Lab
Classification: Benign for Maple syrup urine disease type 1A. Last evaluated: 2021-06-10. Review status: criteria provided, single submitter. Criteria: ACMG Guidelines, 2015. Collection method: clinical testing. Allele origin: germline. Affected: no.

Illumina Laboratory Services, Illumina
Classification: Benign for Maple syrup urine disease type 1A. Last evaluated: 2018-01-13. Review status: criteria provided, single submitter. Criteria: ICSL Variant Classification Criteria 13 December 2019. Collection method: clinical testing. Allele origin: germline.
Comment: This variant was observed in the ICSL laboratory as part of a predisposition screen in an ostensibly healthy population. It had not been previously curated by ICSL or reported in the Human Gene Mutation Database (HGMD: prior to June 1st, 2018), and was therefore a candidate for classification through an automated scoring system. Utilizing variant allele frequency, disease prevalence and penetrance estimates, and inheritance mode, an automated score was calculated to assess if this variant is too frequent to cause the disease. Based on the score and internal cut-off values, a variant classified as benign is not then subjected to further curation. The score for this variant resulted in a classification of benign for this disease.

Eurofins Ntd Llc (ga)
Classification: Benign. Last evaluated: 2016-01-12. Review status: criteria provided, single submitter. Criteria: EGL Classification Definitions 2015. Collection method: clinical testing. Allele origin: germline. Observed: 160 variant alleles, 70 heterozygotes, 90 homozygotes.

GeneDx
Classification: Benign. Last evaluated: 2015-03-03. Review status: criteria provided, single submitter. Criteria: GeneDx Variant Classification Process June 2021. Collection method: clinical testing. Allele origin: germline. Affected: yes.

Breakthrough Genomics
Classification: Benign. Review status: criteria provided, single submitter. Criteria: ACMG Guidelines, 2015. Collection method: not provided. Allele origin: germline. Inheritance: Autosomal recessive inheritance. Affected: yes.

PreventionGenetics, part of Exact Sciences
Classification: Benign. Review status: criteria provided, single submitter. Criteria: ACMG Guidelines, 2015. Collection method: clinical testing. Allele origin: germline.

Natera, Inc.
Classification: Benign for Maple syrup urine disease type 1A. Last evaluated: 2019-11-18. Review status: no assertion criteria provided. Collection method: clinical testing. Allele origin: germline. Not counted in ClinVar's aggregate classification.

Clinical Genetics, Academic Medical Center
Classification: Benign. Review status: no assertion criteria provided. Collection method: clinical testing. Allele origin: germline. Affected: yes. Study: VKGL Data-share Consensus. Not counted in ClinVar's aggregate classification.

Diagnostic Laboratory, Department of Genetics, University Medical Center Groningen
Classification: Benign for Maple syrup urine disease type 1A. Review status: no assertion criteria provided. Collection method: clinical testing. Allele origin: germline. Affected: yes. Study: VKGL Data-share Consensus. Not counted in ClinVar's aggregate classification.

NM_000709.4(BCKDHA):c.376-10A>C

Gene: BCKDHA (branched chain keto acid dehydrogenase E1 subunit alpha; plus strand). Cytogenetic location: 19q13.2.
Variant type: single nucleotide variant.
Coding change: c.376-10A>C on transcript NM_000709.4 (MANE Select); 10 bases into the intron before coding-DNA position 376, A replaced by C.
Molecular consequence: intron variant.
Genome position (GRCh38, 1-based): chr19:41,414,039, A>C. VCF-style: chr19-41414039-A-C. GRCh37 (hg19) VCF-style: chr19-41919944-A-C.
Other names: p.?; c.376-10A>C (NM_001164783.2).
Identifiers: ClinVar variation 93357 (VCV000093357.26), dbSNP rs3213861, ClinGen allele CA146873.